The following is an entry in ClinVar:

NM_003824.4(FADD):c.416A>G (p.Glu139Gly)

Gene: FADD (Fas associated via death domain; plus strand). Cytogenetic location: 11q13.3.
Variant type: single nucleotide variant.
Coding change: c.416A>G on transcript NM_003824.4 (MANE Select); coding-DNA position 416, A replaced by G.
Protein change: p.Glu139Gly; replaces glutamic acid 139 with glycine.
Molecular consequence: missense variant.
Genome position (GRCh38, 1-based): chr11:70,206,262, A>G. VCF-style: chr11-70206262-A-G. GRCh37 (hg19) VCF-style: chr11-70052368-A-G.
Other names: short protein forms E139G.
Identifiers: ClinVar variation 2055974 (VCV002055974.4), dbSNP rs1462896802, ClinGen allele CA381666168.

ClinVar aggregate classification (germline): Uncertain significance (1 of 4 stars; one submission).

Conditions:
FADD-related immunodeficiency. Also called: FADD DEFICIENCY; Infections, recurrent, with encephalopathy, hepatic dysfunction, and cardiovascular malformations. Identifiers: Orphanet 306550, MedGen C3151062, MONDO:0013408, OMIM 613759.

Submission:

Labcorp Genetics (formerly Invitae), Labcorp
Classification: Uncertain significance for FADD-related immunodeficiency. Last evaluated: 2021-12-23. Review status: criteria provided, single submitter. Criteria: Invitae Variant Classification Sherloc (09022015). Collection method: clinical testing. Allele origin: germline.
Comment: In summary, the available evidence is currently insufficient to determine the role of this variant in disease. Therefore, it has been classified as a Variant of Uncertain Significance. Algorithms developed to predict the effect of missense changes on protein structure and function are either unavailable or do not agree on the potential impact of this missense change (SIFT: "Deleterious"; PolyPhen-2: "Probably Damaging"; Align-GVGD: "Class C15"). This variant has not been reported in the literature in individuals affected with FADD-related conditions. This variant is present in population databases (no rsID available, gnomAD 0.0009%). This sequence change replaces glutamic acid, which is acidic and polar, with glycine, which is neutral and non-polar, at codon 139 of the FADD protein (p.Glu139Gly).